The following is an entry in ClinVar:

NM_001253697.2(ERBIN):c.3431_3432delinsAA (p.Ser1144Lys)

Gene: ERBIN (erbb2 interacting protein; plus strand). Cytogenetic location: 5q12.3.
Variant type: Indel.
Coding change: c.3431_3432delinsAA on transcript NM_001253697.2 (MANE Select); coding-DNA positions 3431 to 3432, GT replaced by AA.
Protein change: p.Ser1144Lys; replaces serine 1144 with lysine.
Molecular consequence: missense variant.
Genome position (GRCh38, 1-based): chr5:66,054,749-66,054,750, GT replaced by AA. VCF-style: chr5-66054749-GT-AA. GRCh37 (hg19) VCF-style: chr5-65350577-GT-AA.
Other names: c.3431_3432delinsAA, p.Ser1144Lys (NM_001006600.3, NM_001253698.2, NM_001253699.2 and 1 more transcripts); c.3419_3420delinsAA, p.Ser1140Lys (NM_001253701.2); short protein forms S1140K, S1144K.
Identifiers: ClinVar variation 2047149 (VCV002047149.4), dbSNP rs2546816458, ClinGen allele CA2580073434.
Genomic context (GRCh38, chr5:66,054,749, plus strand): 5'-AGAGACCCCTTTCTGCACGAACATACAGCATAGATGGTCCAAATGCATCAAGACCTCAGA[GT>AA]GCTCGACCCTCTATTAATGAAATACCAGAGAGAACTATGTCAGTTAGTGATTTCAATTAT-3'
Protein context (NP_001240626.1, residues 1134-1154): IDGPNASRPQ[Ser1144Lys]ARPSINEIPE

ClinVar aggregate classification (germline): Uncertain significance (1 of 4 stars; one submission).

Submission:

Labcorp Genetics (formerly Invitae), Labcorp
Classification: Uncertain significance. Last evaluated: 2024-05-06. Review status: criteria provided, single submitter. Criteria: Invitae Variant Classification Sherloc (09022015). Collection method: clinical testing. Allele origin: germline.
Comment: This sequence change replaces serine, which is neutral and polar, with lysine, which is basic and polar, at codon 1144 of the ERBIN protein (p.Ser1144Lys). Information on the frequency of this variant in the gnomAD database is not available, as this variant may be reported differently in the database. This variant has not been reported in the literature in individuals affected with ERBIN-related conditions. ClinVar contains an entry for this variant (Variation ID: 2047149). An algorithm developed to predict the effect of missense changes on protein structure and function (PolyPhen-2) suggests that this variant is likely to be disruptive. In summary, the available evidence is currently insufficient to determine the role of this variant in disease. Therefore, it has been classified as a Variant of Uncertain Significance.